The following is an entry in ClinVar:

ClinVar aggregate classification (germline): Uncertain significance (1 of 4 stars; one submission).

gnomAD v4.1: 1 of 1,614,112 alleles (0.000062%); highest among the groups gnomAD compares: South Asian, 0.0011%; no homozygotes.

Submission:

GeneDx
Classification: Uncertain significance. Last evaluated: 2023-04-10. Review status: criteria provided, single submitter. Criteria: GeneDx Variant Classification Process June 2021. Collection method: clinical testing. Allele origin: germline. Affected: yes.
Comment: Not observed at significant frequency in large population cohorts (gnomAD); In silico analysis supports that this missense variant does not alter protein structure/function; Has not been previously published as pathogenic or benign to our knowledge

NM_016333.4(SRRM2):c.4791G>T (p.Arg1597Ser)

Gene: SRRM2 (serine/arginine repetitive matrix 2; plus strand). Cytogenetic location: 16p13.3.
Variant type: single nucleotide variant.
Coding change: c.4791G>T on transcript NM_016333.4 (MANE Select); coding-DNA position 4791, G replaced by T.
Protein change: p.Arg1597Ser; replaces arginine 1597 with serine.
Molecular consequence: missense variant.
Genome position (GRCh38, 1-based): chr16:2,765,319, G>T. VCF-style: chr16-2765319-G-T. GRCh37 (hg19) VCF-style: chr16-2815320-G-T.
Other names: short protein forms R1597S.
Identifiers: ClinVar variation 3343005 (VCV003343005.1).